The following is an entry in ClinVar:

ClinVar aggregate classification (germline): Conflicting classifications of pathogenicity. Review status: criteria provided, conflicting classifications (1 of 4 stars). 11 submissions from 11 submitters: Uncertain significance (1); Benign (5); Likely benign (3). 2 of the submissions do not count toward it. Last evaluated 2026-02-02.

Conditions:
Congenital contractural arachnodactyly (CCA). Also called: BEALS SYNDROME; Beals-Hecht syndrome; Arthrogryposis, distal, type 9. Identifiers: Orphanet 115, MedGen C0220668, MONDO:0007363, OMIM 121050.
Familial thoracic aortic aneurysm and aortic dissection (TAAD). Also called: Thoracic aortic aneurysms and dissections. Identifiers: Orphanet 91387, MedGen C4707243, MONDO:0019625.

Allele frequency attached by ClinVar (database versions not stated): gnomAD exomes 0.00017 and 0.00044; ExAC 0.00054; 1000 Genomes Project 30x 0.00094; 1000 Genomes Project 0.00100; ESP Exome Variant Server 0.00185; gnomAD 0.00185 and 0.00205; TOPMed 0.00210.
gnomAD v4.1: 548 of 1,614,060 alleles (0.034%); highest among the groups gnomAD compares: African/African-American, 0.62%; 3 homozygotes.

Submissions (11):

Labcorp Genetics (formerly Invitae), Labcorp
Classification: Benign for Congenital contractural arachnodactyly. Last evaluated: 2026-02-02. Review status: criteria provided, single submitter. Criteria: Invitae Variant Classification Sherloc (09022015). Collection method: clinical testing. Allele origin: germline.

Blueprint Genetics
Classification: Likely benign. Last evaluated: 2024-09-18. Review status: criteria provided, single submitter. Criteria: ACMG Guidelines, 2015. Collection method: clinical testing. Allele origin: germline.

ARUP Laboratories, Molecular Genetics and Genomics, ARUP Laboratories
Classification: Likely benign. Last evaluated: 2023-10-11. Review status: criteria provided, single submitter. Criteria: ARUP Molecular Germline Variant Investigation Process 2024. Collection method: clinical testing. Allele origin: germline.

Women's Health and Genetics/Laboratory Corporation of America, LabCorp
Classification: Benign. Last evaluated: 2023-08-10. Review status: criteria provided, single submitter. Criteria: LabCorp Variant Classification Summary - May 2015. Collection method: clinical testing. Allele origin: germline.

Illumina Laboratory Services, Illumina
Classification: Benign for Congenital contractural arachnodactyly. Last evaluated: 2018-01-12. Review status: criteria provided, single submitter. Criteria: ICSL Variant Classification Criteria 13 December 2019. Collection method: clinical testing. Allele origin: germline.
Comment: This variant was observed in the ICSL laboratory as part of a predisposition screen in an ostensibly healthy population. It had not been previously curated by ICSL or reported in the Human Gene Mutation Database (HGMD: prior to June 1st, 2018), and was therefore a candidate for classification through an automated scoring system. Utilizing variant allele frequency, disease prevalence and penetrance estimates, and inheritance mode, an automated score was calculated to assess if this variant is too frequent to cause the disease. Based on the score and internal cut-off values, a variant classified as benign is not then subjected to further curation. The score for this variant resulted in a classification of benign for this disease.

Center for Human Genetics, Inc
Classification: Likely benign for Congenital contractural arachnodactyly. Last evaluated: 2016-11-01. Review status: criteria provided, single submitter. Criteria: ACMG Guidelines, 2015. Collection method: clinical testing. Allele origin: germline. Affected: yes.

Ambry Genetics
Classification: Uncertain significance for Familial thoracic aortic aneurysm and aortic dissection. Last evaluated: 2015-09-07. Review status: criteria provided, single submitter. Criteria: Ambry Variant Classification Scheme 2023. Collection method: clinical testing. Allele origin: germline.
Comment: The c.7471+6G>A intronic alteration consists of a G to A substitution nucleotides after coding exon 58 in the FBN2 gene. Based on insufficient or conflicting evidence, the clinical significance of this alteration remains unclear.

GeneDx
Classification: Benign. Last evaluated: 2015-02-04. Review status: criteria provided, single submitter. Criteria: GeneDx Variant Classification (06012015). Collection method: clinical testing. Allele origin: germline. Affected: yes.
Comment: This variant is considered likely benign or benign based on one or more of the following criteria: it is a conservative change, it occurs at a poorly conserved position in the protein, it is predicted to be benign by multiple in silico algorithms, and/or has population frequency not consistent with disease.

PreventionGenetics, part of Exact Sciences
Classification: Benign. Review status: criteria provided, single submitter. Criteria: ACMG Guidelines, 2015. Collection method: clinical testing. Allele origin: germline.

Clinical Genetics DNA and cytogenetics Diagnostics Lab, Erasmus MC, Erasmus Medical Center
Classification: Likely benign. Review status: no assertion criteria provided. Collection method: clinical testing. Allele origin: germline. Affected: yes. Study: VKGL Data-share Consensus. Not counted in ClinVar's aggregate classification.

Genome Diagnostics Laboratory, Amsterdam University Medical Center
Classification: Likely benign. Review status: no assertion criteria provided. Collection method: clinical testing. Allele origin: germline. Affected: yes. Study: VKGL Data-share Consensus. Not counted in ClinVar's aggregate classification.

NM_001999.4(FBN2):c.7471+6G>A

Gene: FBN2 (fibrillin 2; minus strand). Cytogenetic location: 5q23.3.
Variant type: single nucleotide variant.
Coding change: c.7471+6G>A on transcript NM_001999.4 (MANE Select); 6 bases into the intron after coding-DNA position 7471, G replaced by A.
Molecular consequence: intron variant.
Genome position (GRCh38, 1-based): chr5:128,277,874, C>T on the plus strand (G>A on the coding strand, the complement: FBN2 is on the minus strand). VCF-style: chr5-128277874-C-T. GRCh37 (hg19) VCF-style: chr5-127613566-C-T.
Identifiers: ClinVar variation 213251 (VCV000213251.28), dbSNP rs200998513, ClinGen allele CA323567.